The following is an entry in ClinVar:

ClinVar aggregate classification (germline): Conflicting classifications of pathogenicity. Review status: criteria provided, conflicting classifications (1 of 4 stars). 2 submissions from 2 submitters: Uncertain significance (1); Likely benign (1). Last evaluated 2024-10-16.

Allele frequency attached by ClinVar (database versions not stated): 1000 Genomes Project 0.00020; 1000 Genomes Project 30x 0.00031; gnomAD 0.00011; TOPMed 0.00014; ExAC 0.00016; gnomAD exomes 0.00016.
gnomAD v4.1: 168 of 1,613,704 alleles (0.01%); highest among the groups gnomAD compares: Admixed American, 0.033%; no homozygotes.

Submissions (2):

Blueprint Genetics
Classification: Likely benign. Last evaluated: 2024-10-16. Review status: criteria provided, single submitter. Criteria: ACMG Guidelines, 2015. Collection method: clinical testing. Allele origin: germline.

Labcorp Genetics (formerly Invitae), Labcorp
Classification: Uncertain significance. Last evaluated: 2024-01-25. Review status: criteria provided, single submitter. Criteria: Invitae Variant Classification Sherloc (09022015). Collection method: clinical testing. Allele origin: germline.
Comment: This sequence change replaces threonine, which is neutral and polar, with methionine, which is neutral and non-polar, at codon 2550 of the MYO18B protein (p.Thr2550Met). This variant is present in population databases (rs537017719, gnomAD 0.07%). This variant has not been reported in the literature in individuals affected with MYO18B-related conditions. ClinVar contains an entry for this variant (Variation ID: 1430924). An algorithm developed to predict the effect of missense changes on protein structure and function (PolyPhen-2) suggests that this variant¬†is likely to be tolerated. In summary, the available evidence is currently insufficient to determine the role of this variant in disease. Therefore, it has been classified as a Variant of Uncertain Significance.

NM_032608.7(MYO18B):c.7649C>T (p.Thr2550Met)

Gene: MYO18B (myosin XVIIIB; plus strand). Cytogenetic location: 22q12.1.
Variant type: single nucleotide variant.
Coding change: c.7649C>T on transcript NM_032608.7 (MANE Select); coding-DNA position 7649, C replaced by T.
Protein change: p.Thr2550Met; replaces threonine 2550 with methionine.
Molecular consequence: missense variant.
Genome position (GRCh38, 1-based): chr22:26,027,623, C>T. VCF-style: chr22-26027623-C-T. GRCh37 (hg19) VCF-style: chr22-26423589-C-T.
Other names: c.7652C>T, p.Thr2551Met (NM_001318245.2); short protein forms T2551M, T2550M.
Identifiers: ClinVar variation 1430924 (VCV001430924.5), dbSNP rs537017719, ClinGen allele CA10161839.
Genomic context (GRCh38, chr22:26,027,623, plus strand): 5'-TCCCACGACTTGCGGGTGACGGTGGCGAGCGAACGTCCCCCGAGCGGAGAGAGCCAGGGA[C>T]GGGGAGGAAAGACGACGATGTTGCGAGCATAATGAAGAAATACCTCCAGAAGTAGGAACC-3'
Protein context (NP_115997.5, residues 2540-2560): RTSPERREPG[Thr2550Met]GRKDDDVASI